The following is an entry in ClinVar:

ClinVar aggregate classification (germline): Uncertain significance (1 of 4 stars; one submission).

Conditions:
GUCY2D-related disorder. Also called: GUCY2D-related condition.

Submission:

PreventionGenetics, part of Exact Sciences
Classification: Uncertain significance for GUCY2D-related condition. Last evaluated: 2026-06-23. Review status: criteria provided, single submitter. Criteria: ACMG Guidelines, 2015. Collection method: clinical testing. Allele origin: germline.
Comment: The GUCY2D c.67G>T variant is predicted to result in the amino acid substitution p.Ala23Ser. To our knowledge, this variant has not been reported in the literature or in a large population database, indicating this variant is rare. At this time, the clinical significance of this variant is uncertain due to the absence of conclusive functional and genetic evidence.

NM_000180.4(GUCY2D):c.67G>T (p.Ala23Ser)

Gene: GUCY2D (guanylate cyclase 2D, retinal; plus strand). Cytogenetic location: 17p13.1.
Variant type: single nucleotide variant.
Coding change: c.67G>T on transcript NM_000180.4 (MANE Select); coding-DNA position 67, G replaced by T.
Protein change: p.Ala23Ser; replaces alanine 23 with serine.
Molecular consequence: missense variant.
Genome position (GRCh38, 1-based): chr17:8,003,114, G>T. VCF-style: chr17-8003114-G-T. GRCh37 (hg19) VCF-style: chr17-7906432-G-T.
Other names: short protein forms A23S.
Identifiers: ClinVar variation 4982055 (VCV004982055.1).